The following is an entry in ClinVar:

ClinVar aggregate classification (germline): Uncertain significance. Review status: criteria provided, multiple submitters, no conflicts (2 of 4 stars). 6 submissions from 6 submitters: Uncertain significance (6). Last evaluated 2026-01-14.

Conditions:
Hereditary cancer-predisposing syndrome. Also called: Hereditary Cancer Syndrome; Neoplastic Syndromes, Hereditary; Tumor predisposition; Hereditary neoplastic syndrome. Identifiers: Orphanet 140162, MedGen C0027672, MeSH D009386, MONDO:0015356.
Familial cancer of breast. Also called: Hereditary breast cancer; hereditary breast carcinoma; BREAST CANCER, FAMILIAL. Identifiers: Orphanet 227535, MedGen C0346153, MONDO:0016419, OMIM 114480. Disease mechanism: loss of function.
Ataxia-telangiectasia syndrome (AT). Also called: Ataxia telangiectasia (A-T); Ataxia-telangiectasia, complementation group E; LOUIS-BAR SYNDROME; Cerebello-oculocutaneous telangiectasia; Immunodeficiency with ataxia telangiectasia; Ataxia-telangiectasia, complementation group D. Identifiers: Orphanet 100, MedGen C0004135, MONDO:0008840, OMIM 208900.

Allele frequency attached by ClinVar (database versions not stated): ExAC 0.00001; TOPMed 0.00001.
gnomAD v4.1: 1 of 1,613,870 alleles (0.000062%); highest among the groups gnomAD compares: Admixed American, 0.0017%; no homozygotes.

Submissions (6):

Labcorp Genetics (formerly Invitae), Labcorp
Classification: Uncertain significance for Ataxia-telangiectasia syndrome. Last evaluated: 2026-01-14. Review status: criteria provided, single submitter. Criteria: Invitae Variant Classification Sherloc (09022015). Collection method: clinical testing. Allele origin: germline.
Comment: This sequence change replaces lysine, which is basic and polar, with arginine, which is basic and polar, at codon 215 of the ATM protein (p.Lys215Arg). This variant is present in population databases (rs755074633, gnomAD 0.003%). This variant has not been reported in the literature in individuals affected with ATM-related conditions. ClinVar contains an entry for this variant (Variation ID: 230878). Invitae Evidence Modeling of protein sequence and biophysical properties (such as structural, functional, and spatial information, amino acid conservation, physicochemical variation, residue mobility, and thermodynamic stability) indicates that this missense variant is not expected to disrupt ATM protein function with a negative predictive value of 95%. In summary, the available evidence is currently insufficient to determine the role of this variant in disease. Therefore, it has been classified as a Variant of Uncertain Significance.

Ambry Genetics
Classification: Uncertain significance for Hereditary cancer-predisposing syndrome. Last evaluated: 2025-06-08. Review status: criteria provided, single submitter. Criteria: Ambry Variant Classification Scheme 2023. Collection method: clinical testing. Allele origin: germline.
Comment: The p.K215R variant (also known as c.644A>G), located in coding exon 5 of the ATM gene, results from an A to G substitution at nucleotide position 644. The lysine at codon 215 is replaced by arginine, an amino acid with highly similar properties. This amino acid position is well conserved in available vertebrate species. In addition, this alteration is predicted to be tolerated by in silico analysis. Since supporting evidence is limited at this time, the clinical significance of this alteration remains unclear.

Women's Health and Genetics/Laboratory Corporation of America, LabCorp
Classification: Uncertain significance. Last evaluated: 2024-11-29. Review status: criteria provided, single submitter. Criteria: LabCorp Variant Classification Summary - May 2015. Collection method: clinical testing. Allele origin: germline.
Comment: Variant summary: ATM c.644A>G (p.Lys215Arg) results in a conservative amino acid change in the encoded protein sequence. Five of five in-silico tools predict a benign effect of the variant on protein function. The variant allele was found at a frequency of 7.9e-06 in 253570 control chromosomes. The available data on variant occurrences in the general population are insufficient to allow any conclusion about variant significance. To our knowledge, no occurrence of c.644A>G in individuals affected with Ataxia-Telangiectasia and no experimental evidence demonstrating its impact on protein function have been reported. ClinVar contains an entry for this variant (Variation ID: 230878). Based on the evidence outlined above, the variant was classified as uncertain significance.

Baylor Genetics
Classification: Uncertain significance for Familial cancer of breast. Last evaluated: 2022-08-22. Review status: criteria provided, single submitter. Criteria: ACMG Guidelines, 2015. Collection method: clinical testing. Allele origin: unknown.

Sema4
Classification: Uncertain significance for Hereditary cancer-predisposing syndrome. Last evaluated: 2021-05-10. Review status: criteria provided, single submitter. Criteria: Sema4 Curation Guidelines. Collection method: curation. Allele origin: germline.
Comment: The ATM c.644A>G (p.K215R) variant has not been reported in the literature to our knowledge. It was observed in 1/34542 chromosomes of the Latino subpopulation in the large and broad cohorts of the Genome Aggregation Database (PMID: 32461654). The variant has been reported in ClinVar (Variation ID 230878). In silico tools suggest the impact of the K215R change on protein function is benign, while the nucleotide change may result in creation of a splice acceptor site. However, these predictions have not been confirmed by functional studies. The evidence is insufficient to meet ACMG/AMP criteria for classifying the variant as benign or pathogenic. Thus, the clinical significance of this variant is currently uncertain.

Color Diagnostics, LLC DBA Color Health
Classification: Uncertain significance for Hereditary cancer-predisposing syndrome. Last evaluated: 2019-03-14. Review status: criteria provided, single submitter. Criteria: ACMG Guidelines, 2015. Collection method: clinical testing. Allele origin: germline.

Literature cited by the submitters: PubMed 31206626 (cited by Women's Health and Genetics/Laboratory Corporation of America, LabCorp).

NM_000051.4(ATM):c.644A>G (p.Lys215Arg)

Gene: ATM (ATM serine/threonine kinase; plus strand). Cytogenetic location: 11q22.3.
Variant type: single nucleotide variant.
Coding change: c.644A>G on transcript NM_000051.4 (MANE Select); coding-DNA position 644, A replaced by G.
Protein change: p.Lys215Arg; replaces lysine 215 with arginine.
Molecular consequence: missense variant.
Genome position (GRCh38, 1-based): chr11:108,244,100, A>G. VCF-style: chr11-108244100-A-G. GRCh37 (hg19) VCF-style: chr11-108114827-A-G.
Other names: c.644A>G, p.Lys215Arg (NM_001351834.2); short protein forms K215R.
Identifiers: ClinVar variation 230878 (VCV000230878.18), dbSNP rs755074633, ClinGen allele CA6264637.